The following is an entry in ClinVar:

NM_000875.5(IGF1R):c.-51T>C

Genes: IRAIN (IGF1R antisense imprinted non-protein coding RNA; minus strand), IGF1R (insulin like growth factor 1 receptor; plus strand). Cytogenetic location: 15q26.3.
Variant type: single nucleotide variant.
Coding change: c.-51T>C on transcript NM_000875.5 (MANE Select); 51 bases upstream of the start codon, T replaced by C.
Molecular consequence: 5 prime UTR variant. On other transcripts: non-coding transcript variant (1).
Genome position (GRCh38, 1-based): chr15:98,649,531, T>C. VCF-style: chr15-98649531-T-C. GRCh37 (hg19) VCF-style: chr15-99192760-T-C.
Other names: c.-51T>C (NM_001291858.2).
Identifiers: ClinVar variation 369106 (VCV000369106.6), dbSNP rs777217358, ClinGen allele CA7751671.

ClinVar aggregate classification (germline): Benign. Review status: criteria provided, multiple submitters, no conflicts (2 of 4 stars). 2 submissions from 2 submitters: Benign (2). Last evaluated 2018-01-13.

Conditions:
Growth delay due to insulin-like growth factor I resistance. Also called: Somatomedin end-organ insensitivity to; Somatomedin-c resistance to; IGF-1 resistance; IGF-I RESISTANCE; Insulin-Like Growth Factor I Resistance. Identifiers: Orphanet 73273, MedGen C1849157, MONDO:0010038, OMIM 270450.

Allele frequency attached by ClinVar (database versions not stated): gnomAD 0.00046 and 0.00064; gnomAD exomes 0.00063 and 0.00224; ExAC 0.00604.
gnomAD v4.1: 104 of 154,324 alleles (0.067%); highest among the groups gnomAD compares: South Asian, 0.31%; no homozygotes.

Submissions (2):

Illumina Laboratory Services, Illumina
Classification: Benign for Growth delay due to insulin-like growth factor I resistance. Last evaluated: 2018-01-13. Review status: criteria provided, single submitter. Criteria: ICSL Variant Classification Criteria 13 December 2019. Collection method: clinical testing. Allele origin: germline.
Comment: This variant was observed in the ICSL laboratory as part of a predisposition screen in an ostensibly healthy population. It had not been previously curated by ICSL or reported in the Human Gene Mutation Database (HGMD: prior to June 1st, 2018), and was therefore a candidate for classification through an automated scoring system. Utilizing variant allele frequency, disease prevalence and penetrance estimates, and inheritance mode, an automated score was calculated to assess if this variant is too frequent to cause the disease. Based on the score and internal cut-off values, a variant classified as benign is not then subjected to further curation. The score for this variant resulted in a classification of benign for this disease.

Breakthrough Genomics
Classification: Benign. Review status: criteria provided, single submitter. Criteria: ACMG Guidelines, 2015. Collection method: not provided. Allele origin: germline. Inheritance: Autosomal dominant inheritance. Affected: yes.